The following is an entry in ClinVar:

ClinVar aggregate classification (germline): Uncertain significance (1 of 4 stars; one submission).

gnomAD v4.1: 1 of 1,613,994 alleles (0.000062%); no homozygotes.

Submission:

Labcorp Genetics (formerly Invitae), Labcorp
Classification: Uncertain significance. Last evaluated: 2022-07-19. Review status: criteria provided, single submitter. Criteria: Invitae Variant Classification Sherloc (09022015). Collection method: clinical testing. Allele origin: germline.
Comment: This variant is not present in population databases (gnomAD no frequency). This sequence change replaces lysine, which is basic and polar, with glutamic acid, which is acidic and polar, at codon 388 of the SLCO2A1 protein (p.Lys388Glu). This variant has not been reported in the literature in individuals affected with SLCO2A1-related conditions. Algorithms developed to predict the effect of missense changes on protein structure and function are either unavailable or do not agree on the potential impact of this missense change (SIFT: "Tolerated"; PolyPhen-2: "Probably Damaging"; Align-GVGD: "Class C0"). In summary, the available evidence is currently insufficient to determine the role of this variant in disease. Therefore, it has been classified as a Variant of Uncertain Significance.

NM_005630.3(SLCO2A1):c.1162A>G (p.Lys388Glu)

Gene: SLCO2A1 (solute carrier organic anion transporter family member 2A1; minus strand). Cytogenetic location: 3q22.1.
Variant type: single nucleotide variant.
Coding change: c.1162A>G on transcript NM_005630.3 (MANE Select); coding-DNA position 1162, A replaced by G.
Protein change: p.Lys388Glu; replaces lysine 388 with glutamic acid.
Molecular consequence: missense variant.
Genome position (GRCh38, 1-based): chr3:133,947,389, T>C on the plus strand (A>G on the coding strand, the complement: SLCO2A1 is on the minus strand). VCF-style: chr3-133947389-T-C. GRCh37 (hg19) VCF-style: chr3-133666233-T-C.
Other names: short protein forms K388E.
Identifiers: ClinVar variation 1719559 (VCV001719559.5), dbSNP rs2472451515, ClinGen allele CA354616638.